The following is an entry in ClinVar:

ClinVar aggregate classification (germline): Uncertain significance. Review status: criteria provided, multiple submitters, no conflicts (2 of 4 stars). 3 submissions from 3 submitters: Uncertain significance (3). Last evaluated 2025-04-22.

Conditions:
Hereditary nonpolyposis colorectal neoplasms. Identifiers: MedGen C0009405, MeSH D003123.
Hereditary cancer-predisposing syndrome. Also called: Hereditary neoplastic syndrome; Neoplastic Syndromes, Hereditary; Tumor predisposition; Hereditary Cancer Syndrome. Identifiers: Orphanet 140162, MedGen C0027672, MeSH D009386, MONDO:0015356.
Lynch syndrome 5 (LYNCH5). Also called: Colorectal cancer, hereditary nonpolyposis, type 5; Hereditary non-polyposis colorectal cancer, type 5. Identifiers: Orphanet 144, MedGen C1833477, MONDO:0013710, OMIM 614350. Disease mechanism: loss of function.

Submissions (3):

Ambry Genetics
Classification: Uncertain significance for Hereditary cancer-predisposing syndrome. Last evaluated: 2025-04-22. Review status: criteria provided, single submitter. Criteria: Ambry Variant Classification Scheme 2023. Collection method: clinical testing. Allele origin: germline.
Comment: The p.L659F variant (also known as c.1975C>T), located in coding exon 4 of the MSH6 gene, results from a C to T substitution at nucleotide position 1975. The leucine at codon 659 is replaced by phenylalanine, an amino acid with highly similar properties. This amino acid position is well conserved in available vertebrate species. In addition, the in silico prediction for this alteration is inconclusive. Based on the available evidence, the clinical significance of this variant remains unclear.

Labcorp Genetics (formerly Invitae), Labcorp
Classification: Uncertain significance for Hereditary nonpolyposis colorectal neoplasms. Last evaluated: 2023-10-27. Review status: criteria provided, single submitter. Criteria: Invitae Variant Classification Sherloc (09022015). Collection method: clinical testing. Allele origin: germline.
Comment: This sequence change replaces leucine, which is neutral and non-polar, with phenylalanine, which is neutral and non-polar, at codon 659 of the MSH6 protein (p.Leu659Phe). This variant is not present in population databases (gnomAD no frequency). This variant has not been reported in the literature in individuals affected with MSH6-related conditions. ClinVar contains an entry for this variant (Variation ID: 1320382). Advanced modeling of protein sequence and biophysical properties (such as structural, functional, and spatial information, amino acid conservation, physicochemical variation, residue mobility, and thermodynamic stability) has been performed at Invitae for this missense variant, however the output from this modeling did not meet the statistical confidence thresholds required to predict the impact of this variant on MSH6 protein function. In summary, the available evidence is currently insufficient to determine the role of this variant in disease. Therefore, it has been classified as a Variant of Uncertain Significance.

GeneDx
Classification: Uncertain significance. Last evaluated: 2021-03-19. Review status: criteria provided, single submitter. Criteria: GeneDx Variant Classification Process June 2021. Collection method: clinical testing. Allele origin: germline. Affected: yes.
Comment: Not observed in large population cohorts (Lek 2016); In silico analysis supports that this missense variant has a deleterious effect on protein structure/function; Has not been previously published as pathogenic or benign to our knowledge

NM_000179.3(MSH6):c.1975C>T (p.Leu659Phe)

Gene: MSH6 (mutS homolog 6; plus strand). Cytogenetic location: 2p16.3.
Variant type: single nucleotide variant.
Coding change: c.1975C>T on transcript NM_000179.3 (MANE Select); coding-DNA position 1975, C replaced by T.
Protein change: p.Leu659Phe; replaces leucine 659 with phenylalanine.
Molecular consequence: missense variant.
Genome position (GRCh38, 1-based): chr2:47,799,958, C>T. VCF-style: chr2-47799958-C-T. GRCh37 (hg19) VCF-style: chr2-48027097-C-T.
Other names: c.1585C>T, p.Leu529Phe (NM_001281492.2); c.1069C>T, p.Leu357Phe (NM_001281493.2, NM_001281494.2); short protein forms L357F, L529F, L659F.
Identifiers: ClinVar variation 1320382 (VCV001320382.7), dbSNP rs1669402625, ClinGen allele CA346750614.